The following is an entry in ClinVar:

ClinVar aggregate classification (germline): Likely benign. Review status: criteria provided, single submitter (1 of 4 stars). 2 submissions from 2 submitters: Likely benign (1). 1 of the submissions does not count toward it. Last evaluated 2025-07-20.

Conditions:
ARID1A-related disorder. Also called: ARID1A-related condition.

Allele frequency attached by ClinVar (database versions not stated): gnomAD exomes 0.00004.
gnomAD v4.1: 66 of 1,614,094 alleles (0.0041%); highest among the groups gnomAD compares: Non-Finnish European, 0.0051%; no homozygotes.

Submissions (2):

Labcorp Genetics (formerly Invitae), Labcorp
Classification: Likely benign. Last evaluated: 2025-07-20. Review status: criteria provided, single submitter. Criteria: Invitae Variant Classification Sherloc (09022015). Collection method: clinical testing. Allele origin: germline.

PreventionGenetics, part of Exact Sciences
Classification: Likely benign for ARID1A-related condition. Last evaluated: 2019-03-01. Review status: no assertion criteria provided. Collection method: clinical testing. Allele origin: germline. Not counted in ClinVar's aggregate classification.
Comment: This variant is classified as likely benign based on ACMG/AMP sequence variant interpretation guidelines (Richards et al. 2015 PMID: 25741868, with internal and published modifications).

NM_006015.6(ARID1A):c.4062C>T (p.Phe1354=)

Gene: ARID1A (AT-rich interaction domain 1A; plus strand). Cytogenetic location: 1p36.11.
Variant type: single nucleotide variant.
Coding change: c.4062C>T on transcript NM_006015.6 (MANE Select); coding-DNA position 4062, C replaced by T.
Protein change: p.Phe1354=; no amino-acid change (phenylalanine 1354 retained).
Molecular consequence: synonymous variant.
Genome position (GRCh38, 1-based): chr1:26,773,859, C>T. VCF-style: chr1-26773859-C-T. GRCh37 (hg19) VCF-style: chr1-27100350-C-T.
Other names: c.4062C>T, p.Phe1354= (NM_139135.4).
Identifiers: ClinVar variation 1906466 (VCV001906466.7), dbSNP rs199846866, ClinGen allele CA707396.